The following is an entry in ClinVar:

NM_004064.5(CDKN1B):c.201_202del (p.His67fs)

Gene: CDKN1B (cyclin dependent kinase inhibitor 1B; plus strand). Cytogenetic location: 12p13.1.
Variant type: Microsatellite.
Coding change: c.201_202del on transcript NM_004064.5 (MANE Select); coding-DNA positions 201 to 202, 2 bases deleted (CA; older notation c.201_202delCA).
Protein change: p.His67fs; shifts the reading frame from histidine 67.
Molecular consequence: frameshift variant.
Genome position (GRCh38, 1-based): chr12:12,718,040-12,718,041, CA deleted; deleting any 2 consecutive bases within chr12:12,718,038-12,718,041 gives the same sequence; the c. name uses the placement nearest the transcript's 3' end. VCF-style (leftmost placement, unchanged base first): chr12-12718037-TCA-T. GRCh37 (hg19) VCF-style: chr12-12870971-TCA-T.
Other names: short protein forms H67fs.
Identifiers: ClinVar variation 1784392 (VCV001784392.2), dbSNP rs2497404536, ClinGen allele CA2580615136.

ClinVar aggregate classification (germline): Pathogenic (1 of 4 stars; one submission).

Conditions:
Hereditary cancer-predisposing syndrome. Also called: Neoplastic Syndromes, Hereditary; Tumor predisposition; Hereditary Cancer Syndrome; Hereditary neoplastic syndrome. Identifiers: Orphanet 140162, MedGen C0027672, MeSH D009386, MONDO:0015356.

Submission:

Ambry Genetics
Classification: Pathogenic for Hereditary cancer-predisposing syndrome. Last evaluated: 2022-10-24. Review status: criteria provided, single submitter. Criteria: Ambry Variant Classification Scheme 2023. Collection method: clinical testing. Allele origin: germline.
Comment: The c.201_202delCA pathogenic mutation, located in coding exon 1 of the CDKN1B gene, results from a deletion of two nucleotides at nucleotide positions 201 to 202, causing a translational frameshift with a predicted alternate stop codon (p.H67Qfs*57). This variant is considered to be rare based on population cohorts in the Genome Aggregation Database (gnomAD). This alteration is expected to result in loss of function by premature protein truncation or nonsense-mediated mRNA decay. As such, this alteration is interpreted as a disease-causing mutation.